The following is an entry in ClinVar:

ClinVar aggregate classification (germline): Uncertain significance (1 of 4 stars; one submission).

Conditions:
Epidermolysis bullosa simplex with nail dystrophy (EBS5D). Identifiers: MedGen C4225309, MONDO:0014661, OMIM 616487.
Epidermolysis bullosa simplex, Ogna type (EBS5A). Also called: EPIDERMOLYSIS BULLOSA SIMPLEX 5A, OGNA TYPE; Pidermolysis bullosa simplex 5A, Ogna type. Identifiers: Orphanet 79401, MedGen C0432317, MONDO:0007555, OMIM 131950.
Autosomal recessive limb-girdle muscular dystrophy type 2Q (LGMDR17). Also called: MUSCULAR DYSTROPHY, LIMB-GIRDLE, AUTOSOMAL RECESSIVE 17. Identifiers: Orphanet 254361, MedGen C3150989, MONDO:0013390, OMIM 613723.
Epidermolysis bullosa simplex 5B, with muscular dystrophy (EBS5B). Also called: EPIDERMOLYSIS BULLOSA SIMPLEX AND LIMB-GIRDLE MUSCULAR DYSTROPHY; Epidermolysis bullosa simplex with muscular dystrophy. Identifiers: Orphanet 257, MedGen C2931072, MONDO:0009181, OMIM 226670.
Epidermolysis bullosa simplex 5C, with pyloric atresia (EBS5C). Also called: PLEC-Related Epidermolysis Bullosa with Pyloric Atresia; Epidermolysis bullosa simplex with pyloric atresia; PLEC1-Related Epidermolysis Bullosa with Pyloric Atresia. Identifiers: Orphanet 158684, MedGen C2677349, MONDO:0012807, OMIM 612138.

gnomAD v4.1: 2 of 1,607,256 alleles (0.00012%); highest among the groups gnomAD compares: Admixed American, 0.0034%; no homozygotes.

Submission:

Labcorp Genetics (formerly Invitae), Labcorp
Classification: Uncertain significance for Autosomal recessive limb-girdle muscular dystrophy type 2Q; Epidermolysis bullosa simplex, Ogna type; Epidermolysis bullosa simplex with nail dystrophy; Epidermolysis bullosa simplex 5C, with pyloric atresia; Epidermolysis bullosa simplex 5B, with muscular dystrophy. Last evaluated: 2025-08-26. Review status: criteria provided, single submitter. Criteria: Invitae Variant Classification Sherloc (09022015). Collection method: clinical testing. Allele origin: germline.
Comment: This sequence change replaces alanine, which is neutral and non-polar, with valine, which is neutral and non-polar, at codon 612 of the PLEC protein (p.Ala612Val). This variant is present in population databases (rs782112921, gnomAD 0.006%). This variant has not been reported in the literature in individuals affected with PLEC-related conditions. Experimental studies and prediction algorithms are not available or were not evaluated, and the functional significance of this variant is currently unknown. In summary, the available evidence is currently insufficient to determine the role of this variant in disease. Therefore, it has been classified as a Variant of Uncertain Significance.

NM_201384.3(PLEC):c.1754C>T (p.Ala585Val)

Gene: PLEC (plectin; minus strand). Cytogenetic location: 8q24.3.
Variant type: single nucleotide variant.
Coding change: c.1754C>T on transcript NM_201384.3 (MANE Select); coding-DNA position 1754, C replaced by T.
Protein change: p.Ala585Val; replaces alanine 585 with valine.
Molecular consequence: missense variant.
Genome position (GRCh38, 1-based): chr8:143,932,696, G>A on the plus strand (C>T on the coding strand, the complement: PLEC is on the minus strand). VCF-style: chr8-143932696-G-A. GRCh37 (hg19) VCF-style: chr8-145006864-G-A.
Other names: c.1835C>T, p.Ala612Val (NM_000445.5, NM_001410941.1); c.1712C>T, p.Ala571Val (NM_201378.4); c.1688C>T, p.Ala563Val (NM_201379.3); c.2165C>T, p.Ala722Val (NM_201380.4); c.1658C>T, p.Ala553Val (NM_201381.3); c.1754C>T, p.Ala585Val (NM_201382.4); c.1766C>T, p.Ala589Val (NM_201383.3); short protein forms A585V, A612V, A571V, A589V, A553V, A563V, A722V.
Identifiers: ClinVar variation 4790731 (VCV004790731.1).